The following is an entry in ClinVar:

ClinVar aggregate classification (germline): Uncertain significance. Review status: criteria provided, multiple submitters, no conflicts (2 of 4 stars). 2 submissions from 2 submitters: Uncertain significance (2). Last evaluated 2025-09-25.

Conditions:
Hereditary cancer-predisposing syndrome. Also called: Neoplastic Syndromes, Hereditary; Tumor predisposition; Hereditary Cancer Syndrome; Hereditary neoplastic syndrome. Identifiers: Orphanet 140162, MedGen C0027672, MeSH D009386, MONDO:0015356.

Allele frequency attached by ClinVar (database versions not stated): ExAC 0.00001; gnomAD exomes 0.00001.
gnomAD v4.1: 2 of 1,614,132 alleles (0.00012%); highest among the groups gnomAD compares: Admixed American, 0.0033%; no homozygotes.

Submissions (2):

Ambry Genetics
Classification: Uncertain significance for Hereditary cancer-predisposing syndrome. Last evaluated: 2025-09-25. Review status: criteria provided, single submitter. Criteria: Ambry Variant Classification Scheme 2023. Collection method: clinical testing. Allele origin: germline.
Comment: The p.D1168A variant (also known as c.3503A>C), located in coding exon 23 of the RAD50 gene, results from an A to C substitution at nucleotide position 3503. The aspartic acid at codon 1168 is replaced by alanine, an amino acid with dissimilar properties. This amino acid position is highly conserved in available vertebrate species. In addition, this alteration is predicted to be deleterious by in silico analysis. Since supporting evidence is limited at this time, the clinical significance of this alteration remains unclear.

Labcorp Genetics (formerly Invitae), Labcorp
Classification: Uncertain significance for Hereditary cancer-predisposing syndrome. Last evaluated: 2025-07-21. Review status: criteria provided, single submitter. Criteria: Invitae Variant Classification Sherloc (09022015). Collection method: clinical testing. Allele origin: germline.
Comment: This sequence change replaces aspartic acid, which is acidic and polar, with alanine, which is neutral and non-polar, at codon 1168 of the RAD50 protein (p.Asp1168Ala). This variant is present in population databases (rs764131107, gnomAD 0.006%). This variant has not been reported in the literature in individuals affected with RAD50-related conditions. ClinVar contains an entry for this variant (Variation ID: 484642). Invitae Evidence Modeling of protein sequence and biophysical properties (such as structural, functional, and spatial information, amino acid conservation, physicochemical variation, residue mobility, and thermodynamic stability) indicates that this missense variant is not expected to disrupt RAD50 protein function with a negative predictive value of 80%. In summary, the available evidence is currently insufficient to determine the role of this variant in disease. Therefore, it has been classified as a Variant of Uncertain Significance.

NM_005732.4(RAD50):c.3503A>C (p.Asp1168Ala)

Genes: TH2LCRR (T helper type 2 locus control region associated RNA; minus strand), TH2-LCR (Th2 cytokine locus control region; plus strand), RAD50 (RAD50 double strand break repair protein; plus strand). Cytogenetic location: 5q31.1.
Variant type: single nucleotide variant.
Coding change: c.3503A>C on transcript NM_005732.4 (MANE Select); coding-DNA position 3503, A replaced by C.
Protein change: p.Asp1168Ala; replaces aspartic acid 1168 with alanine.
Molecular consequence: missense variant. On other transcripts: non-coding transcript variant (2).
Genome position (GRCh38, 1-based): chr5:132,638,108, A>C. VCF-style: chr5-132638108-A-C. GRCh37 (hg19) VCF-style: chr5-131973800-A-C.
Other names: short protein forms D1168A.
Identifiers: ClinVar variation 484642 (VCV000484642.13), dbSNP rs764131107, ClinGen allele CA3405603.
Genomic context (GRCh38, chr5:132,638,108, plus strand): 5'-GGTTCCTCTAAAATATTCTTCTTCCTGTGTCAGATATTGAATACATAGAAATACGGTCTG[A>C]TGCCGATGAAAATGTATCAGCTTCTGATAAAAGGCGGAATTATAACTACCGAGTGGTGAT-3'
Protein context (NP_005723.2, residues 1158-1178): QDIEYIEIRS[Asp1168Ala]ADENVSASDK